The following is an entry in ClinVar:

NM_007325.5(GRIA3):c.1172G>C (p.Ser391Thr)

Gene: GRIA3 (glutamate ionotropic receptor AMPA type subunit 3; plus strand). Cytogenetic location: Xq25.
Variant type: single nucleotide variant.
Coding change: c.1172G>C on transcript NM_007325.5 (MANE Select); coding-DNA position 1172, G replaced by C.
Protein change: p.Ser391Thr; replaces serine 391 with threonine.
Molecular consequence: missense variant.
Genome position (GRCh38, 1-based): chrX:123,403,085, G>C. VCF-style: chrX-123403085-G-C. GRCh37 (hg19) VCF-style: chrX-122536936-G-C.
Other names: c.1172G>C, p.Ser391Thr (NM_000828.5); short protein forms S391T.
Identifiers: ClinVar variation 2631272 (VCV002631272.1), dbSNP rs2521167138, ClinGen allele CA414258581.
Genomic context (GRCh38, chrX:123,403,085, plus strand): 5'-AATTTGACACTTATGGACGTAGGACAAATTATACCATCGATGTGTATGAAATGAAAGTCA[G>C]TGGCTCTCGAAAAGTAAGTAACCAAAACAGACATTTAAAGAAAAGGACTCTTGAAAGAGG-3'
Protein context (NP_015564.5, residues 381-401): YTIDVYEMKV[Ser391Thr]GSRKAGYWNE

ClinVar aggregate classification (germline): Uncertain significance (1 of 4 stars; one submission).

Conditions:
GRIA3-related disorder. Also called: GRIA3-related condition.

Submission:

PreventionGenetics, part of Exact Sciences
Classification: Uncertain significance for GRIA3-related condition. Last evaluated: 2023-08-18. Review status: criteria provided, single submitter. Criteria: ACMG Guidelines, 2015. Collection method: clinical testing. Allele origin: germline.
Comment: The GRIA3 c.1172G>C variant is predicted to result in the amino acid substitution p.Ser391Thr. To our knowledge, this variant has not been reported in the literature or in a large population database, indicating this variant is rare. At this time, the clinical significance of this variant is uncertain due to the absence of conclusive functional and genetic evidence.